The following is an entry in ClinVar:

ClinVar aggregate classification (germline): Uncertain significance (1 of 4 stars; one submission).

Conditions:
Cardiovascular phenotype. Identifiers: MedGen CN230736.

Submission:

Ambry Genetics
Classification: Uncertain significance for Cardiovascular phenotype. Last evaluated: 2022-08-17. Review status: criteria provided, single submitter. Criteria: Ambry Variant Classification Scheme 2023. Collection method: clinical testing. Allele origin: germline.
Comment: The p.D1231G variant (also known as c.3692A>G), located in coding exon 24 of the ABCA1 gene, results from an A to G substitution at nucleotide position 3692. The aspartic acid at codon 1231 is replaced by glycine, an amino acid with similar properties. This amino acid position is conserved. In addition, the in silico prediction for this alteration is inconclusive. Since supporting evidence is limited at this time, the clinical significance of this alteration remains unclear.

NM_005502.4(ABCA1):c.3692A>G (p.Asp1231Gly)

Gene: ABCA1 (ATP binding cassette subfamily A member 1; minus strand). Cytogenetic location: 9q31.1.
Variant type: single nucleotide variant.
Coding change: c.3692A>G on transcript NM_005502.4 (MANE Select); coding-DNA position 3692, A replaced by G.
Protein change: p.Asp1231Gly; replaces aspartic acid 1231 with glycine.
Molecular consequence: missense variant.
Genome position (GRCh38, 1-based): chr9:104,816,189, T>C on the plus strand (A>G on the coding strand, the complement: ABCA1 is on the minus strand). VCF-style: chr9-104816189-T-C. GRCh37 (hg19) VCF-style: chr9-107578470-T-C.
Other names: short protein forms D1231G.
Identifiers: ClinVar variation 1733974 (VCV001733974.2), dbSNP rs2538126172, ClinGen allele CA374318003.